The following is an entry in ClinVar:

NM_006218.4(PIK3CA):c.1637_1638inv (p.Gln546Pro)

Gene: PIK3CA (phosphatidylinositol-4,5-bisphosphate 3-kinase catalytic subunit alpha; plus strand). Cytogenetic location: 3q26.32.
Variant type: Inversion.
Coding change: c.1637_1638inv on transcript NM_006218.4 (MANE Select).
Protein change: p.Gln546Pro; replaces glutamine 546 with proline.
Molecular consequence: missense variant.
Genome position: GRCh38 VCF-style: chr3-179218307-AG-CT. GRCh37 (hg19) VCF-style: chr3-178936095-AG-CT.
Other names: short protein forms Q546P.
Identifiers: ClinVar variation 3774530 (VCV003774530.1).

ClinVar aggregate classification (germline): Likely pathogenic (1 of 4 stars; one submission).

Conditions:
PIK3CA related overgrowth syndrome. Also called: PIK3CA related overgrowth spectrum; PIK3CA-Related Segmental Overgrowth. Identifiers: Orphanet 530313, MedGen C4728213, MONDO:1040002.

Submission:

Clinical Genomics Laboratory, Washington University in St. Louis
Classification: Likely pathogenic for PIK3CA-related overgrowth syndrome. Last evaluated: 2024-08-02. Review status: criteria provided, single submitter. Criteria: Leon-Quintero et al. (Clin Genet. 2025). Collection method: clinical testing. Allele origin: somatic. Affected: yes.
Comment: A PIK3CA c.1637_1638inv (p.Gln546Pro) variant was identified at an allelic fraction consistent with somatic origin. This variant, to our knowledge, has not been reported in the medical literature in relation to PIK3CA-Related overgrowth disorders and is absent from the general population (gnomAD v.4.1.0), indicating it is not a common variant. Other variants in the same codon have been reported in a somatic state in numerous types of cancer in the cancer database COSMIC (Genomic Mutation IDs: COSV55875400, COSV55942600). This variant resides within the helical domain of the p110alpha catalytic subunit of PIK3CA and constitutes a mutational hotspot (Madsen R et al., PMID: 30197175; Keppler-Noreuil KM et al., PMID: 25557259; Gymnopoulos M et al., PMID: 17376864). The PIK3CA (p.Gln546Pro) variant has been annotated as activating and shown to increased transformation ability when expressed in a cell line (Ng PKS et al., PMID: 29533785). Multiple variants in the same codon, p.Gln546Arg, p.Gln546Leu, p.Gln546Lys, p.Gln546His, and p.Gln546Glu have been reported in affected individuals and are considered pathogenic (ClinVar Variation IDs: 45466, 375899, 13657, 376491, 13654). The PIK3CA gene is defined by the ClinGen Brain Malformations expert panel as a gene that has a low rate of benign missense variation and where pathogenic missense variants are a common mechanism of disease (Lai et al., PMID: 35997716). Based on available information and an internally developed protocol informed by the ACMG/AMP guidelines for variant interpretation and gene-specific practices from the ClinGen Criteria Specification Registry (Leon-Quintero FZ et al., PMID: 39434542), the PIK3CA c.1637_1638inv (p.Gln546Pro) variant is classified as likely pathogenic.